The following is an entry in ClinVar:

ClinVar aggregate classification (germline): Uncertain significance. Review status: criteria provided, multiple submitters, no conflicts (2 of 4 stars). 2 submissions from 2 submitters: Uncertain significance (2). Last evaluated 2024-11-25.

Conditions:
Inborn genetic diseases. Identifiers: MedGen C0950123, MeSH D030342.

Allele frequency attached by ClinVar (database versions not stated): gnomAD 0.00003; ExAC 0.00004; TOPMed 0.00005; gnomAD exomes 0.00016; 1000 Genomes Project 0.00020; 1000 Genomes Project 30x 0.00031.
gnomAD v4.1: 239 of 1,612,840 alleles (0.015%); highest among the groups gnomAD compares: Non-Finnish European, 0.019%; no homozygotes.

Submissions (2):

Ambry Genetics
Classification: Uncertain significance for Inborn genetic diseases. Last evaluated: 2024-11-25. Review status: criteria provided, single submitter. Criteria: Ambry Variant Classification Scheme 2023. Collection method: clinical testing. Allele origin: germline.

GeneDx
Classification: Uncertain significance. Last evaluated: 2024-05-08. Review status: criteria provided, single submitter. Criteria: GeneDx Variant Classification Process June 2021. Collection method: clinical testing. Allele origin: germline. Affected: yes.
Comment: In silico analysis supports that this missense variant has a deleterious effect on protein structure/function; Has not been previously published as pathogenic or benign to our knowledge

NM_006828.4(ASCC3):c.2692C>G (p.Leu898Val)

Gene: ASCC3 (activating signal cointegrator 1 complex subunit 3; minus strand). Cytogenetic location: 6q16.3.
Variant type: single nucleotide variant.
Coding change: c.2692C>G on transcript NM_006828.4 (MANE Select); coding-DNA position 2692, C replaced by G.
Protein change: p.Leu898Val; replaces leucine 898 with valine.
Molecular consequence: missense variant.
Genome position (GRCh38, 1-based): chr6:100,661,817, G>C on the plus strand (C>G on the coding strand, the complement: ASCC3 is on the minus strand). VCF-style: chr6-100661817-G-C. GRCh37 (hg19) VCF-style: chr6-101109693-G-C.
Other names: short protein forms L898V.
Identifiers: ClinVar variation 2356789 (VCV002356789.4), dbSNP rs117116442, ClinGen allele CA3938520.